The following is an entry in ClinVar:

NM_002439.5(MSH3):c.890T>G (p.Leu297Arg)

Gene: MSH3 (mutS homolog 3; plus strand). Cytogenetic location: 5q14.1.
Variant type: single nucleotide variant.
Coding change: c.890T>G on transcript NM_002439.5 (MANE Select); coding-DNA position 890, T replaced by G.
Protein change: p.Leu297Arg; replaces leucine 297 with arginine.
Molecular consequence: missense variant.
Genome position (GRCh38, 1-based): chr5:80,672,341, T>G. VCF-style: chr5-80672341-T-G. GRCh37 (hg19) VCF-style: chr5-79968160-T-G.
Other names: short protein forms L297R.
Identifiers: ClinVar variation 1765083 (VCV001765083.2), dbSNP rs2546722457, ClinGen allele CA360267259.

ClinVar aggregate classification (germline): Uncertain significance (1 of 4 stars; one submission).

Conditions:
Hereditary cancer-predisposing syndrome. Also called: Neoplastic Syndromes, Hereditary; Tumor predisposition; Hereditary Cancer Syndrome; Hereditary neoplastic syndrome. Identifiers: Orphanet 140162, MedGen C0027672, MeSH D009386, MONDO:0015356.

Allele frequency attached by ClinVar (database versions not stated): gnomAD exomes below 0.00001.
gnomAD v4.1: 1 of 1,613,636 alleles (0.000062%); highest among the groups gnomAD compares: Non-Finnish European, 0.000085%; no homozygotes.

Submission:

Ambry Genetics
Classification: Uncertain significance for Hereditary cancer-predisposing syndrome. Last evaluated: 2022-01-11. Review status: criteria provided, single submitter. Criteria: Ambry Variant Classification Scheme 2023. Collection method: clinical testing. Allele origin: germline.
Comment: The p.L297R variant (also known as c.890T>G), located in coding exon 5 of the MSH3 gene, results from a T to G substitution at nucleotide position 890. The leucine at codon 297 is replaced by arginine, an amino acid with dissimilar properties. This amino acid position is highly conserved in available vertebrate species. In addition, this alteration is predicted to be deleterious by in silico analysis. Since supporting evidence is limited at this time, the clinical significance of this alteration remains unclear.